The following is an entry in ClinVar:

ClinVar aggregate classification (germline): Uncertain significance (1 of 4 stars; one submission).

Conditions:
CHARGE syndrome (CHARGE). Also called: Hittner Hirsch Kreh syndrome; CHARGE ASSOCIATION--COLOBOMA, HEART ANOMALY, CHOANAL ATRESIA, RETARDATION, GENITAL AND EAR ANOMALIES; Coloboma, heart anomaly, choanal atresia, retardation, genital and ear anomalies; CHARGE association; Hall-Hittner syndrome. Identifiers: Orphanet 138, MedGen C0265354, MONDO:0008965.

Submission:

Labcorp Genetics (formerly Invitae), Labcorp
Classification: Uncertain significance for CHARGE syndrome. Last evaluated: 2022-08-31. Review status: criteria provided, single submitter. Criteria: Invitae Variant Classification Sherloc (09022015). Collection method: clinical testing. Allele origin: germline.
Comment: In summary, the available evidence is currently insufficient to determine the role of this variant in disease. Therefore, it has been classified as a Variant of Uncertain Significance. Advanced modeling of protein sequence and biophysical properties (such as structural, functional, and spatial information, amino acid conservation, physicochemical variation, residue mobility, and thermodynamic stability) performed at Invitae indicates that this missense variant is not expected to disrupt CHD7 protein function. This variant has not been reported in the literature in individuals affected with CHD7-related conditions. This variant is not present in population databases (gnomAD no frequency). This sequence change replaces threonine, which is neutral and polar, with lysine, which is basic and polar, at codon 894 of the CHD7 protein (p.Thr894Lys).

NM_017780.4(CHD7):c.2681C>A (p.Thr894Lys)

Gene: CHD7 (chromodomain helicase DNA binding protein 7; plus strand). Cytogenetic location: 8q12.2.
Variant type: single nucleotide variant.
Coding change: c.2681C>A on transcript NM_017780.4 (MANE Select); coding-DNA position 2681, C replaced by A.
Protein change: p.Thr894Lys; replaces threonine 894 with lysine.
Molecular consequence: missense variant. On other transcripts: intron variant (1).
Genome position (GRCh38, 1-based): chr8:60,820,074, C>A. VCF-style: chr8-60820074-C-A. GRCh37 (hg19) VCF-style: chr8-61732633-C-A.
Other names: c.1716+39024C>A (NM_001316690.1); short protein forms T894K.
Identifiers: ClinVar variation 1954032 (VCV001954032.5), dbSNP rs2487793349, ClinGen allele CA371306807.